The following is an entry in ClinVar:

NM_001128205.2(SULF1):c.1196G>A (p.Arg399Gln)

Gene: SULF1 (sulfatase 1; plus strand). Cytogenetic location: 8q13.3.
Variant type: single nucleotide variant.
Coding change: c.1196G>A on transcript NM_001128205.2 (MANE Select); coding-DNA position 1196, G replaced by A.
Protein change: p.Arg399Gln; replaces arginine 399 with glutamine.
Molecular consequence: missense variant. On other transcripts: non-coding transcript variant (3).
Genome position (GRCh38, 1-based): chr8:69,603,605, G>A. VCF-style: chr8-69603605-G-A. GRCh37 (hg19) VCF-style: chr8-70515840-G-A.
Other names: c.1196G>A, p.Arg399Gln (NM_001128204.2, NM_001128206.2, NM_001412828.1 and 13 more transcripts); c.1067G>A, p.Arg356Gln (NM_001412832.1, NM_001412838.1, NM_001412839.1 and 1 more transcripts); c.1010G>A, p.Arg337Gln (NM_001412841.1, NM_001412842.1); c.596G>A, p.Arg199Gln (NM_001412844.1, NM_001412845.1); c.-580G>A (NM_001412846.1); short protein forms R337Q, R399Q, R356Q, R199Q.
Identifiers: ClinVar variation 1945016 (VCV001945016.5), dbSNP rs775901136, ClinGen allele CA4775815.
Genomic context (GRCh38, chr8:69,603,605, plus strand): 5'-TCCATTTGGAAAAACGTCCAGATGCCAAAAGTAAATATTATCATTTTGCTTTCAGGTTTC[G>A]AACAAACAAGAAGGCCAAAATTTGGCGTGATACATTCCTAGTGGAAAGAGGGTAATTATT-3'
Protein context (NP_001121677.1, residues 389-409): LDPEKPGNRF[Arg399Gln]TNKKAKIWRD

ClinVar aggregate classification (germline): Uncertain significance (1 of 4 stars; one submission).

Allele frequency attached by ClinVar (database versions not stated): TOPMed below 0.00001; ExAC 0.00001; gnomAD 0.00001.
gnomAD v4.1: 5 of 1,613,084 alleles (0.00031%); highest among the groups gnomAD compares: South Asian, 0.0033%; no homozygotes.

Submission:

Labcorp Genetics (formerly Invitae), Labcorp
Classification: Uncertain significance. Last evaluated: 2022-03-26. Review status: criteria provided, single submitter. Criteria: Invitae Variant Classification Sherloc (09022015). Collection method: clinical testing. Allele origin: germline.
Comment: This variant has not been reported in the literature in individuals affected with SULF1-related conditions. In summary, the available evidence is currently insufficient to determine the role of this variant in disease. Therefore, it has been classified as a Variant of Uncertain Significance. Algorithms developed to predict the effect of missense changes on protein structure and function (SIFT, PolyPhen-2, Align-GVGD) all suggest that this variant is likely to be tolerated. This variant is present in population databases (rs775901136, gnomAD 0.006%). This sequence change replaces arginine, which is basic and polar, with glutamine, which is neutral and polar, at codon 399 of the SULF1 protein (p.Arg399Gln).